The following is an entry in ClinVar:

ClinVar aggregate classification (germline): Uncertain significance (1 of 4 stars; one submission).

gnomAD v4.1: 6 of 1,611,960 alleles (0.00037%); highest among the groups gnomAD compares: Non-Finnish European, 0.00051%; no homozygotes.

Submission:

Ambry Genetics
Classification: Uncertain significance. Last evaluated: 2025-08-23. Review status: criteria provided, single submitter. Criteria: Ambry Variant Classification Scheme 2023. Collection method: clinical testing. Allele origin: germline.
Comment: The p.L817R variant (also known as c.2450T>G), located in coding exon 11 of the WNK2 gene, results from a T to G substitution at nucleotide position 2450. The leucine at codon 817 is replaced by arginine, an amino acid with dissimilar properties. This amino acid position is conserved. In addition, this alteration is predicted to be deleterious by in silico analysis. Based on the available evidence, the clinical significance of this variant remains unclear.

NM_006648.4(WNK2):c.2450T>G (p.Leu817Arg)

Gene: WNK2 (WNK lysine deficient protein kinase 2; plus strand). Cytogenetic location: 9q22.31.
Variant type: single nucleotide variant.
Coding change: c.2450T>G on transcript NM_006648.4 (MANE Select); coding-DNA position 2450, T replaced by G.
Protein change: p.Leu817Arg; replaces leucine 817 with arginine.
Molecular consequence: missense variant.
Genome position (GRCh38, 1-based): chr9:93,258,998, T>G. VCF-style: chr9-93258998-T-G. GRCh37 (hg19) VCF-style: chr9-96021280-T-G.
Other names: c.2450T>G, p.Leu817Arg (NM_001282394.3); short protein forms L817R.
Identifiers: ClinVar variation 4201805 (VCV004201805.1).
Genomic context (GRCh38, chr9:93,258,998, plus strand): 5'-CGATTCCTGTTGTGCCCCCCATCACGCCCCTGGCGGGAATCGACGGCCTCCCTCCGGCCC[T>G]CCCAGACCTGCCGACCGCGACTGTGCCTCCCGTGCCACCACCTCAGTATTTCTCTCCAGC-3'
Protein context (NP_006639.3, residues 807-827): LAGIDGLPPA[Leu817Arg]PDLPTATVPP